The following is an entry in ClinVar:

NM_003361.4(UMOD):c.552G>C (p.Trp184Cys)

Gene: UMOD (uromodulin; minus strand). Cytogenetic location: 16p12.3.
Variant type: single nucleotide variant.
Coding change: c.552G>C on transcript NM_003361.4 (MANE Select); coding-DNA position 552, G replaced by C.
Protein change: p.Trp184Cys; replaces tryptophan 184 with cysteine.
Molecular consequence: missense variant. On other transcripts: non-coding transcript variant (1).
Genome position (GRCh38, 1-based): chr16:20,348,749, C>G on the plus strand (G>C on the coding strand, the complement: UMOD is on the minus strand). VCF-style: chr16-20348749-C-G. GRCh37 (hg19) VCF-style: chr16-20360071-C-G.
Other names: c.552G>C, p.Trp184Cys (NM_001008389.3, NM_001378232.1, NM_001378233.1 and 3 more transcripts); c.651G>C, p.Trp217Cys (NM_001278614.2); short protein forms W217C, W184C.
Identifiers: ClinVar variation 931170 (VCV000931170.5), dbSNP rs1965732404, ClinGen allele CA394985498.

ClinVar aggregate classification (germline): Likely pathogenic (1 of 4 stars; one submission).

Conditions:
Familial juvenile hyperuricemic nephropathy type 1 (ADTKD1). Also called: Glomerulocystic kidney disease with hyperuricemia and isosthenuria; Medullary cystic kidney disease 2; Autosomal Dominant Tubulointerstitial Kidney Disease – UMOD; UMOD-Associated Kidney Disease; Uromodulin-associated kidney disease. Identifiers: Orphanet 209886, Orphanet 34149, Orphanet 88950, MedGen C4551496, MONDO:0008073, OMIM 162000.

Submission:

Centre for Mendelian Genomics, University Medical Centre Ljubljana
Classification: Likely pathogenic for Familial juvenile hyperuricemic nephropathy type 1. Last evaluated: 2019-08-29. Review status: criteria provided, single submitter. Criteria: ACMG Guidelines, 2015. Collection method: clinical testing. Allele origin: unknown. Affected: yes.
Comment: This variant was classified as: Likely pathogenic. The following ACMG criteria were applied in classifying this variant: PS1,PM2,PP3.